The following is an entry in ClinVar:

NM_000553.6(WRN):c.2088+6C>T

Gene: WRN (WRN RecQ like helicase; plus strand). Cytogenetic location: 8p12.
Variant type: single nucleotide variant.
Coding change: c.2088+6C>T on transcript NM_000553.6 (MANE Select); 6 bases into the intron after coding-DNA position 2088, C replaced by T.
Molecular consequence: intron variant.
Genome position (GRCh38, 1-based): chr8:31,100,961, C>T. VCF-style: chr8-31100961-C-T. GRCh37 (hg19) VCF-style: chr8-30958477-C-T.
Identifiers: ClinVar variation 362804 (VCV000362804.14), dbSNP rs886062888, ClinGen allele CA10627641.
Genomic context (GRCh38, chr8:31,100,961, plus strand): 5'-TGATTTTAGGGATTCATTCAGGAAGTTGGGCTCCCTAAAGACAGCACTGCCAATGGTAAG[C>T]TTTGCCAAGTCTGATGTCCCGAAATTACATTCTTAATAAGGAGAGCATTCAGGATTGGGG-3'

ClinVar aggregate classification (germline): Conflicting classifications of pathogenicity. Review status: criteria provided, conflicting classifications (1 of 4 stars). 3 submissions from 3 submitters: Uncertain significance (1); Likely benign (1). 1 of the submissions does not count toward it. Last evaluated 2023-11-10.

Conditions:
WRN-related disorder. Also called: WRN-related condition.
Werner syndrome (WRN). Identifiers: Orphanet 902, MedGen C0043119, MONDO:0010196, OMIM 277700.

Allele frequency attached by ClinVar (database versions not stated): gnomAD 0.00001; gnomAD exomes 0.00001 and 0.00002.
gnomAD v4.1: 32 of 1,611,254 alleles (0.002%); highest among the groups gnomAD compares: Non-Finnish European, 0.0025%; no homozygotes.

Submissions (3):

Labcorp Genetics (formerly Invitae), Labcorp
Classification: Likely benign for Werner syndrome. Last evaluated: 2023-11-10. Review status: criteria provided, single submitter. Criteria: Invitae Variant Classification Sherloc (09022015). Collection method: clinical testing. Allele origin: germline.

Illumina Laboratory Services, Illumina
Classification: Uncertain significance for Werner syndrome. Last evaluated: 2018-01-13. Review status: criteria provided, single submitter. Criteria: ICSL Variant Classification Criteria 13 December 2019. Collection method: clinical testing. Allele origin: germline.

PreventionGenetics, part of Exact Sciences
Classification: Likely benign for WRN-related condition. Last evaluated: 2024-01-05. Review status: no assertion criteria provided. Collection method: clinical testing. Allele origin: germline. Not counted in ClinVar's aggregate classification.
Comment: This variant is classified as likely benign based on ACMG/AMP sequence variant interpretation guidelines (Richards et al. 2015 PMID: 25741868, with internal and published modifications).